The following is an entry in ClinVar:

NM_002055.5(GFAP):c.10A>G (p.Arg4Gly)

Gene: GFAP (glial fibrillary acidic protein; minus strand). Cytogenetic location: 17q21.31.
Variant type: single nucleotide variant.
Coding change: c.10A>G on transcript NM_002055.5 (MANE Select); coding-DNA position 10, A replaced by G.
Protein change: p.Arg4Gly; replaces arginine 4 with glycine.
Molecular consequence: missense variant.
Genome position (GRCh38, 1-based): chr17:44,915,477, T>C on the plus strand (A>G on the coding strand, the complement: GFAP is on the minus strand). VCF-style: chr17-44915477-T-C. GRCh37 (hg19) VCF-style: chr17-42992845-T-C.
Other names: c.10A>G, p.Arg4Gly (NM_001131019.3, NM_001242376.3, NM_001363846.2); short protein forms R4G.
Identifiers: ClinVar variation 3629068 (VCV003629068.2).
Genomic context (GRCh38, chr17:44,915,477, plus strand): 5'-CCCCCACCATCATCTCCCCTGAGGAGACGTAGGAGCGGCGAGCAGCGGAGGTGATGCGTC[T>C]CCTCTCCATCCTGCTCTGGCTCTGCTCGCTCCTGGGATGCGAGGGCTTTATGAAGGAGTG-3'
Protein context (NP_002046.1, residues 1-14): MER[Arg4Gly]RITSAARRSY

ClinVar aggregate classification (germline): Uncertain significance (1 of 4 stars; one submission).

Submission:

Labcorp Genetics (formerly Invitae), Labcorp
Classification: Uncertain significance. Last evaluated: 2025-06-10. Review status: criteria provided, single submitter. Criteria: Invitae Variant Classification Sherloc (09022015). Collection method: clinical testing. Allele origin: germline.
Comment: This sequence change replaces arginine, which is basic and polar, with glycine, which is neutral and non-polar, at codon 4 of the GFAP protein (p.Arg4Gly). This variant is present in population databases (rs770750986, gnomAD 0.005%). This variant has not been reported in the literature in individuals affected with GFAP-related conditions. ClinVar contains an entry for this variant (Variation ID: 3629068). Invitae Evidence Modeling of protein sequence and biophysical properties (such as structural, functional, and spatial information, amino acid conservation, physicochemical variation, residue mobility, and thermodynamic stability) indicates that this missense variant is not expected to disrupt GFAP protein function with a negative predictive value of 95%. In summary, the available evidence is currently insufficient to determine the role of this variant in disease. Therefore, it has been classified as a Variant of Uncertain Significance.